The following is an entry in ClinVar:

ClinVar aggregate classification (germline): Uncertain significance (1 of 4 stars; one submission).

Conditions:
Charcot-Marie-Tooth disease type 4. Also called: Charcot-Marie-Tooth disease, type IV; Charcot-Marie-Tooth, Type 4. Identifiers: Orphanet 64749, MedGen C4082197, MONDO:0018995.

Submission:

Labcorp Genetics (formerly Invitae), Labcorp
Classification: Uncertain significance for Charcot-Marie-Tooth disease type 4. Last evaluated: 2022-03-02. Review status: criteria provided, single submitter. Criteria: Invitae Variant Classification Sherloc (09022015). Collection method: clinical testing. Allele origin: germline.
Comment: In summary, the available evidence is currently insufficient to determine the role of this variant in disease. Therefore, it has been classified as a Variant of Uncertain Significance. Algorithms developed to predict the effect of missense changes on protein structure and function (SIFT, PolyPhen-2, Align-GVGD) all suggest that this variant is likely to be tolerated. This variant has not been reported in the literature in individuals affected with PRX-related conditions. This variant is not present in population databases (gnomAD no frequency). This sequence change replaces arginine, which is basic and polar, with glycine, which is neutral and non-polar, at codon 1414 of the PRX protein (p.Arg1414Gly).

NM_181882.3(PRX):c.4240A>G (p.Arg1414Gly)

Gene: PRX (periaxin; minus strand). Cytogenetic location: 19q13.2.
Variant type: single nucleotide variant.
Coding change: c.4240A>G on transcript NM_181882.3 (MANE Select); coding-DNA position 4240, A replaced by G.
Protein change: p.Arg1414Gly; replaces arginine 1414 with glycine.
Molecular consequence: missense variant. On other transcripts: 3 prime UTR variant (1).
Genome position (GRCh38, 1-based): chr19:40,394,112, T>C on the plus strand (A>G on the coding strand, the complement: PRX is on the minus strand). VCF-style: chr19-40394112-T-C. GRCh37 (hg19) VCF-style: chr19-40900019-T-C.
Other names: c.*4445A>G (NM_020956.2); short protein forms R1414G.
Identifiers: ClinVar variation 1481100 (VCV001481100.6), dbSNP rs2145724711, ClinGen allele CA405890089.